The following is an entry in ClinVar:

NM_000143.4(FH):c.207C>T (p.Gly69=)

Gene: FH (fumarate hydratase; minus strand). Cytogenetic location: 1q43.
Variant type: single nucleotide variant.
Coding change: c.207C>T on transcript NM_000143.4 (MANE Select); coding-DNA position 207, C replaced by T.
Protein change: p.Gly69=; no amino-acid change (glycine 69 retained).
Molecular consequence: synonymous variant.
Genome position (GRCh38, 1-based): chr1:241,517,242, G>A on the plus strand (C>T on the coding strand, the complement: FH is on the minus strand). VCF-style: chr1-241517242-G-A. GRCh37 (hg19) VCF-style: chr1-241680542-G-A.
Identifiers: ClinVar variation 405931 (VCV000405931.23), dbSNP rs370392829, ClinGen allele CA1478748.
Genomic context (GRCh38, chr1:241,517,242, plus strand): 5'-TGGCATGCGTTCTGTCACACCTCCAATCTTAAAGTTCATCGTAGATCTCACGGTCTGGGC[G>A]CCATAATACTTATCATTTGGCACCTTTAGTTCACCAAAGGTATCATATTCTATCCGGAAG-3'
Protein context (NP_000134.2, residues 59-79): ELKVPNDKYY[Gly69=]AQTVRSTMNF

ClinVar aggregate classification (germline): Benign/Likely benign. Review status: criteria provided, multiple submitters, no conflicts (2 of 4 stars). 6 submissions from 6 submitters: Benign (1); Likely benign (5). Last evaluated 2026-01-31.

Conditions:
Hereditary cancer-predisposing syndrome. Also called: Neoplastic Syndromes, Hereditary; Tumor predisposition; Hereditary Cancer Syndrome; Hereditary neoplastic syndrome. Identifiers: Orphanet 140162, MedGen C0027672, MeSH D009386, MONDO:0015356.
Hereditary leiomyomatosis and renal cell cancer. Also called: LEIOMYOMA, MULTIPLE CUTANEOUS; Familial leiomyomatosis; MULTIPLE CUTANEOUS AND UTERINE LEIOMYOMATA 1, WITH OR WITHOUT RENAL CELL CARCINOMA; Multiple cutaneous leiomyomas; FH tumor predisposition syndrome; Reed syndrome. Identifiers: Orphanet 523, MedGen C1708350, MONDO:0007888, OMIM 150800, HP:0007437. Disease mechanism: loss of function.

Allele frequency attached by ClinVar (database versions not stated): gnomAD 0.00003; gnomAD exomes 0.00003; TOPMed 0.00003; ExAC 0.00004; ESP Exome Variant Server 0.00008.
gnomAD v4.1: 30 of 1,613,910 alleles (0.0019%); highest among the groups gnomAD compares: Admixed American, 0.0033%; no homozygotes.

Submissions (6):

Labcorp Genetics (formerly Invitae), Labcorp
Classification: Likely benign. Last evaluated: 2026-01-31. Review status: criteria provided, single submitter. Criteria: Invitae Variant Classification Sherloc (09022015). Collection method: clinical testing. Allele origin: germline.

Center for Genomic Medicine, Rigshospitalet, Copenhagen University Hospital
Classification: Likely benign. Last evaluated: 2025-03-04. Review status: criteria provided, single submitter. Criteria: ACMG Guidelines, 2015. Collection method: clinical testing. Allele origin: germline.

Myriad Genetics, Inc.
Classification: Benign for Hereditary leiomyomatosis and renal cell cancer. Last evaluated: 2024-10-17. Review status: criteria provided, single submitter. Criteria: Myriad Autosomal Dominant, Autosomal Recessive and X-Linked Classification Criteria (2023). Collection method: clinical testing. Allele origin: unknown.
Comment: This variant is considered benign. This variant is a silent/synonymous amino acid change and it is not expected to impact splicing.

Blueprint Genetics
Classification: Likely benign. Last evaluated: 2022-09-16. Review status: criteria provided, single submitter. Criteria: ACMG Guidelines, 2015. Collection method: clinical testing. Allele origin: germline.

GeneDx
Classification: Likely benign. Last evaluated: 2020-11-18. Review status: criteria provided, single submitter. Criteria: GeneDx Variant Classification Process June 2021. Collection method: clinical testing. Allele origin: germline. Affected: yes.
Comment: This variant is associated with the following publications: (PMID: 24334767)

Ambry Genetics
Classification: Likely benign for Hereditary cancer-predisposing syndrome. Last evaluated: 2016-08-03. Review status: criteria provided, single submitter. Criteria: Ambry Variant Classification Scheme 2023. Collection method: clinical testing. Allele origin: germline.